The following is an entry in ClinVar:

ClinVar aggregate classification (germline): Uncertain significance (1 of 4 stars; one submission).

Submission:

CeGaT Center for Human Genetics Tuebingen
Classification: Uncertain significance. Last evaluated: 2023-04-01. Review status: criteria provided, single submitter. Criteria: CeGaT Center For Human Genetics Tuebingen Variant Classification Criteria Version 2. Collection method: clinical testing. Allele origin: germline. Affected: yes. Observed: 1 variant allele.
Comment: SETD5: PM2, BP4

NM_001080517.3(SETD5):c.2794G>T (p.Asp932Tyr)

Gene: SETD5 (SET domain containing 5; plus strand). Cytogenetic location: 3p25.3.
Variant type: single nucleotide variant.
Coding change: c.2794G>T on transcript NM_001080517.3 (MANE Select); coding-DNA position 2794, G replaced by T.
Protein change: p.Asp932Tyr; replaces aspartic acid 932 with tyrosine.
Molecular consequence: missense variant.
Genome position (GRCh38, 1-based): chr3:9,470,528, G>T. VCF-style: chr3-9470528-G-T. GRCh37 (hg19) VCF-style: chr3-9512212-G-T.
Other names: c.2500G>T, p.Asp834Tyr (NM_001292043.2, NM_001349451.2); short protein forms D834Y, D932Y.
Identifiers: ClinVar variation 2653479 (VCV002653479.24), dbSNP rs2473803920, ClinGen allele CA351680157.
Genomic context (GRCh38, chr3:9,470,528, plus strand): 5'-CGAAAAGACCTGGATTTGGCAAAAGTAGGATACCTTGACTCCAACACTAACAGCTGTGCT[G>T]ATAGACCTTCCCTACTCAACTCAGGTCATTCTGACCTGGCTCCTCATCCCTCCCTCGGAC-3'
Protein context (NP_001073986.1, residues 922-942): YLDSNTNSCA[Asp932Tyr]RPSLLNSGHS